The following is an entry in ClinVar:

ClinVar aggregate classification (germline): Uncertain significance. Review status: criteria provided, multiple submitters, no conflicts (2 of 4 stars). 2 submissions from 2 submitters: Uncertain significance (2). Last evaluated 2025-03-14.

Conditions:
Cardiovascular phenotype. Identifiers: MedGen CN230736.
Alstrom syndrome (ALMS). Identifiers: Orphanet 64, MedGen C0268425, MONDO:0008763, OMIM 203800.

Allele frequency attached by ClinVar (database versions not stated): ExAC 0.00001; gnomAD 0.00001; gnomAD exomes 0.00001.
gnomAD v4.1: 4 of 1,613,828 alleles (0.00025%); highest among the groups gnomAD compares: African/African-American, 0.0027%; no homozygotes.

Submissions (2):

Ambry Genetics
Classification: Uncertain significance for Cardiovascular phenotype. Last evaluated: 2025-03-14. Review status: criteria provided, single submitter. Criteria: Ambry Variant Classification Scheme 2023. Collection method: clinical testing. Allele origin: germline.
Comment: The p.E1623Q variant (also known as c.4867G>C), located in coding exon 8 of the ALMS1 gene, results from a G to C substitution at nucleotide position 4867. The glutamic acid at codon 1623 is replaced by glutamine, an amino acid with highly similar properties. This amino acid position is well conserved in available vertebrate species. In addition, this alteration is predicted to be tolerated by in silico analysis. Based on the available evidence, the clinical significance of this variant remains unclear.

Labcorp Genetics (formerly Invitae), Labcorp
Classification: Uncertain significance for Alstrom syndrome. Last evaluated: 2022-10-13. Review status: criteria provided, single submitter. Criteria: Invitae Variant Classification Sherloc (09022015). Collection method: clinical testing. Allele origin: germline.
Comment: This sequence change replaces glutamic acid, which is acidic and polar, with glutamine, which is neutral and polar, at codon 1623 of the ALMS1 protein (p.Glu1623Gln). This variant is present in population databases (rs777590135, gnomAD 0.007%). This variant has not been reported in the literature in individuals affected with ALMS1-related conditions. Experimental studies and prediction algorithms are not available or were not evaluated, and the functional significance of this variant is currently unknown. In summary, the available evidence is currently insufficient to determine the role of this variant in disease. Therefore, it has been classified as a Variant of Uncertain Significance.

NM_001378454.1(ALMS1):c.4864G>C (p.Glu1622Gln)

Gene: ALMS1 (ALMS1 centrosome and basal body associated protein; plus strand). Cytogenetic location: 2p13.1.
Variant type: single nucleotide variant.
Coding change: c.4864G>C on transcript NM_001378454.1 (MANE Select); coding-DNA position 4864, G replaced by C.
Protein change: p.Glu1622Gln; replaces glutamic acid 1622 with glutamine.
Molecular consequence: missense variant.
Genome position (GRCh38, 1-based): chr2:73,451,391, G>C. VCF-style: chr2-73451391-G-C. GRCh37 (hg19) VCF-style: chr2-73678518-G-C.
Other names: c.4867G>C, p.Glu1623Gln (NM_015120.4); short protein forms E1622Q, E1623Q.
Identifiers: ClinVar variation 2167743 (VCV002167743.2), dbSNP rs777590135, ClinGen allele CA1713780.